The following is an entry in ClinVar:

ClinVar aggregate classification (germline): Pathogenic/Likely pathogenic. Review status: criteria provided, multiple submitters, no conflicts (2 of 4 stars). 2 submissions from 2 submitters: Pathogenic (1); Likely pathogenic (1). Last evaluated 2022-05-11.

Conditions:
Hereditary cancer-predisposing syndrome. Also called: Tumor predisposition; Hereditary neoplastic syndrome; Neoplastic Syndromes, Hereditary; Hereditary Cancer Syndrome. Identifiers: Orphanet 140162, MedGen C0027672, MeSH D009386, MONDO:0015356.
Ataxia-telangiectasia-like disorder 1 (ATLD1). Identifiers: Orphanet 251347, MedGen C4012790, MONDO:0024557, OMIM 604391.

Submissions (2):

Baylor Genetics
Classification: Likely pathogenic for Ataxia-telangiectasia-like disorder 1. Last evaluated: 2022-05-11. Review status: criteria provided, single submitter. Criteria: ACMG Guidelines, 2015. Collection method: clinical testing. Allele origin: unknown.

Ambry Genetics
Classification: Pathogenic for Hereditary cancer-predisposing syndrome. Last evaluated: 2018-08-31. Review status: criteria provided, single submitter. Criteria: Ambry Variant Classification Scheme 2023. Collection method: clinical testing. Allele origin: germline.
Comment: The p.Q404* pathogenic mutation (also known as c.1210C>T), located in coding exon 10 of the MRE11A gene, results from a C to T substitution at nucleotide position 1210. This changes the amino acid from a glutamine to a stop codon within coding exon 10. This alteration is expected to result in loss of function by premature protein truncation or nonsense-mediated mRNA decay. As such, this alteration is interpreted as a disease-causing mutation.

NM_005591.4(MRE11):c.1210C>T (p.Gln404Ter)

Gene: MRE11 (MRE11 double strand break repair nuclease; minus strand). Cytogenetic location: 11q21.
Variant type: single nucleotide variant.
Coding change: c.1210C>T on transcript NM_005591.4 (MANE Select); coding-DNA position 1210, C replaced by T.
Protein change: p.Gln404Ter; replaces glutamine 404 with a stop codon.
Molecular consequence: nonsense.
Genome position (GRCh38, 1-based): chr11:94,464,128, G>A on the plus strand (C>T on the coding strand, the complement: MRE11 is on the minus strand). VCF-style: chr11-94464128-G-A. GRCh37 (hg19) VCF-style: chr11-94197294-G-A.
Other names: c.1210C>T, p.Gln404Ter (NM_001330347.2, NM_005590.4); short protein forms Q404*.
Identifiers: ClinVar variation 818597 (VCV000818597.5), dbSNP rs1180352898, ClinGen allele CA382372682.